The following is an entry in ClinVar:

ClinVar aggregate classification (germline): Likely benign. Review status: reviewed by expert panel (3 of 4 stars). 3 submissions from 3 submitters: Likely benign (1). 2 of the submissions do not count toward it. Last evaluated 2023-11-13.

Conditions:
Hereditary thrombocytopenia and hematological cancer predisposition syndrome associated with RUNX1. Also called: RUNX1 Familial Platelet Disorder with Associated Myeloid Malignancies; Familial Platelet Disorder with Propensity to Acute Myelogenous Leukemia; Familial thrombocytopenia with propensity to acute myelogenous leukemia; PLATELET DISORDER, ASPIRIN-LIKE. Identifiers: Orphanet 71290, MedGen C1832388, MeSH C563324, MONDO:0100083, OMIM 601399.
Inborn genetic diseases. Identifiers: MedGen C0950123, MeSH D030342.

Allele frequency attached by ClinVar (database versions not stated): gnomAD 0.00001; TOPMed 0.00001.

Submissions (3):

ClinGen Myeloid Malignancy Variant Curation Expert Panel
Classification: Likely benign for Hereditary thrombocytopenia and hematological cancer predisposition syndrome associated with RUNX1. Last evaluated: 2023-11-13. Review status: reviewed by expert panel. Criteria: ClinGen MyeloMalig ACMG Specifications v2. Collection method: curation. Allele origin: germline. Inheritance: Autosomal dominant inheritance.
Comment: BP4 Multiple lines of computational evidence suggest no impact on gene /gene product. BP4: This synonymous variant has a SpliceAI Δ score < 0.2 and PhyloP100way: 1.191 BP7 Silent variant predicted with no splice impact. BP7: Evolutionary conservation prediction algorithms predict the site as not being conserved (PhyloP score < 2.0) (BP7). In summary, this variant meets criteria to be classified as likely benign. ACMG/AMP criteria applied, as specified by the Myeloid Malignancy Variant Curation Expert Panel for RUNX1: BP4, BP7

Ambry Genetics
Classification: Likely benign for Inborn genetic diseases. Last evaluated: 2025-03-18. Review status: criteria provided, single submitter. Criteria: Ambry Variant Classification Scheme 2023. Collection method: clinical testing. Allele origin: germline. Not counted in ClinVar's aggregate classification.

Labcorp Genetics (formerly Invitae), Labcorp
Classification: Likely benign for Hereditary thrombocytopenia and hematological cancer predisposition syndrome associated with RUNX1. Last evaluated: 2024-11-04. Review status: criteria provided, single submitter. Criteria: Invitae Variant Classification Sherloc (09022015). Collection method: clinical testing. Allele origin: germline. Not counted in ClinVar's aggregate classification.

NM_001754.5(RUNX1):c.294C>T (p.Leu98=)

Gene: RUNX1 (RUNX family transcription factor 1; minus strand). Cytogenetic location: 21q22.12.
Variant type: single nucleotide variant.
Coding change: c.294C>T on transcript NM_001754.5 (MANE Select); coding-DNA position 294, C replaced by T.
Protein change: p.Leu98=; no amino-acid change (leucine 98 retained).
Molecular consequence: synonymous variant.
Genome position (GRCh38, 1-based): chr21:34,886,900, G>A on the plus strand (C>T on the coding strand, the complement: RUNX1 is on the minus strand). VCF-style: chr21-34886900-G-A. GRCh37 (hg19) VCF-style: chr21-36259197-G-A.
Other names: NM_001754.5(RUNX1):c.294C>T; p.Leu98=; c.213C>T, p.Leu71= (NM_001001890.3, NM_001122607.2); c.294C>T (NM_001754.4).
Identifiers: ClinVar variation 1561682 (VCV001561682.9), dbSNP rs1368531129, ClinGen allele CA512318849.